The following is an entry in ClinVar:

ClinVar aggregate classification (germline): Likely benign (0 of 4 stars; one submission).

Conditions:
FBN3-related disorder. Also called: FBN3-related condition.

Submission:

PreventionGenetics, part of Exact Sciences
Classification: Likely benign for FBN3-related condition. Last evaluated: 2019-08-06. Review status: no assertion criteria provided. Collection method: clinical testing. Allele origin: germline.
Comment: This variant is classified as likely benign based on ACMG/AMP sequence variant interpretation guidelines (Richards et al. 2015 PMID: 25741868, with internal and published modifications).

NM_032447.5(FBN3):c.1380C>T (p.His460=)

Gene: FBN3 (fibrillin 3; minus strand). Cytogenetic location: 19p13.2.
Variant type: single nucleotide variant.
Coding change: c.1380C>T on transcript NM_032447.5 (MANE Select); coding-DNA position 1380, C replaced by T.
Protein change: p.His460=; no amino-acid change (histidine 460 retained).
Molecular consequence: synonymous variant.
Genome position (GRCh38, 1-based): chr19:8,136,275, G>A on the plus strand (C>T on the coding strand, the complement: FBN3 is on the minus strand). VCF-style: chr19-8136275-G-A. GRCh37 (hg19) VCF-style: chr19-8201159-G-A.
Other names: c.1380C>T, p.His460= (NM_001321431.2).
Identifiers: ClinVar variation 3035140 (VCV003035140.2), dbSNP rs377734374, ClinGen allele CA9153350.